The following is an entry in ClinVar:

NM_021926.4(ALX4):c.*1131T>C

Gene: ALX4 (ALX homeobox 4; minus strand). Cytogenetic location: 11p11.2.
Variant type: single nucleotide variant.
Coding change: c.*1131T>C on transcript NM_021926.4 (MANE Select); 1131 bases downstream of the stop codon, T replaced by C.
Molecular consequence: 3 prime UTR variant.
Genome position (GRCh38, 1-based): chr11:44,263,723, A>G on the plus strand (T>C on the coding strand, the complement: ALX4 is on the minus strand). VCF-style: chr11-44263723-A-G. GRCh37 (hg19) VCF-style: chr11-44285273-A-G.
Other names: c.*1131T>C (LRG_1256t1).
Identifiers: ClinVar variation 304667 (VCV000304667.6), dbSNP rs10458913, ClinGen allele CA10630888.
Genomic context (GRCh38, chr11:44,263,723, plus strand): 5'-TGACAGATATGGCAGGGAGGACAGTCAGTTTGAGGCCATAGCAGGGCCTGGAGGCCGAGC[A>G]TGGCCACACGTCCTCTAGCAAAGCCTGCACGCAGCTTTTGACCCTCTGCCACCCGGCCCC-3'

ClinVar aggregate classification (germline): Benign. Review status: criteria provided, multiple submitters, no conflicts (2 of 4 stars). 2 submissions from 2 submitters: Benign (2). Last evaluated 2018-01-13.

Conditions:
Parietal foramina 2 (PFM2). Identifiers: Orphanet 60015, MedGen C1865044, MONDO:0012309, OMIM 609597.

Allele frequency attached by ClinVar (database versions not stated): gnomAD 0.00627 and 0.01007; TOPMed 0.01100; 1000 Genomes Project 30x 0.04794; 1000 Genomes Project 0.05092.

Submissions (2):

Illumina Laboratory Services, Illumina
Classification: Benign for Parietal foramina 2. Last evaluated: 2018-01-13. Review status: criteria provided, single submitter. Criteria: ICSL Variant Classification Criteria 13 December 2019. Collection method: clinical testing. Allele origin: germline.
Comment: This variant was observed in the ICSL laboratory as part of a predisposition screen in an ostensibly healthy population. It had not been previously curated by ICSL or reported in the Human Gene Mutation Database (HGMD: prior to June 1st, 2018), and was therefore a candidate for classification through an automated scoring system. Utilizing variant allele frequency, disease prevalence and penetrance estimates, and inheritance mode, an automated score was calculated to assess if this variant is too frequent to cause the disease. Based on the score and internal cut-off values, a variant classified as benign is not then subjected to further curation. The score for this variant resulted in a classification of benign for this disease.

Breakthrough Genomics
Classification: Benign. Review status: criteria provided, single submitter. Criteria: ACMG Guidelines, 2015. Collection method: not provided. Allele origin: germline. Inheritance: Autosomal recessive inheritance. Affected: yes.